The following is an entry in ClinVar:

ClinVar aggregate classification (germline): Uncertain significance (1 of 4 stars; one submission).

Conditions:
Aneurysm-osteoarthritis syndrome. Also called: SMAD3-Related Loeys-Dietz Syndrome; ANEURYSMS-OSTEOARTHRITIS SYNDROME; Loeys-Dietz syndrome, type 1C; LOEYS-DIETZ SYNDROME WITH OSTEOARTHRITIS. Identifiers: Orphanet 284984, MedGen C3151087, MONDO:0013426, OMIM 613795.

Allele frequency attached by ClinVar (database versions not stated): gnomAD exomes below 0.00001.
gnomAD v4.1: 1 of 1,612,608 alleles (0.000062%); highest among the groups gnomAD compares: Non-Finnish European, 0.000085%; no homozygotes.

Submission:

All of Us Research Program, National Institutes of Health
Classification: Uncertain significance for Aneurysm-osteoarthritis syndrome. Last evaluated: 2023-10-06. Review status: criteria provided, single submitter. Criteria: ACMG Guidelines, 2015. Collection method: clinical testing. Allele origin: germline. Inheritance: Autosomal dominant inheritance. Observed: 1 variant allele, 1 heterozygote.
Comment: This missense variant replaces lysine with glutamic acid at codon 63 of the SMAD3 protein. Computational prediction suggests that this variant may have deleterious impact on protein structure and function (internally defined REVEL score threshold >= 0.7, PMID: 27666373). To our knowledge, functional studies have not been reported for this variant. This variant has not been reported in individuals affected with SMAD3-related disorders in the literature. This variant has not been identified in the general population by the Genome Aggregation Database (gnomAD). The available evidence is insufficient to determine the role of this variant in disease conclusively. Therefore, this variant is classified as a Variant of Uncertain Significance.

This study involves interpretation of variants in research participants for the purpose of population health screening. Participant phenotype was not available at the time of variant classification. Additional details can be found in publication PMID: 35346344, PMCID: PMC8962531

NM_005902.4(SMAD3):c.187A>G (p.Lys63Glu)

Gene: SMAD3 (SMAD family member 3; plus strand). Cytogenetic location: 15q22.33.
Variant type: single nucleotide variant.
Coding change: c.187A>G on transcript NM_005902.4 (MANE Select); coding-DNA position 187, A replaced by G.
Protein change: p.Lys63Glu; replaces lysine 63 with glutamic acid.
Molecular consequence: missense variant.
Genome position (GRCh38, 1-based): chr15:67,066,341, A>G. VCF-style: chr15-67066341-A-G. GRCh37 (hg19) VCF-style: chr15-67358679-A-G.
Other names: c.187A>G, p.Lys63Glu (NM_001407011.1, NM_001407012.1, NM_001407013.1); short protein forms K63E.
Identifiers: ClinVar variation 3073775 (VCV003073775.1), dbSNP rs2505000169, ClinGen allele CA393203084.